The following is an entry in ClinVar:

ClinVar aggregate classification (germline): Uncertain significance (1 of 4 stars; one submission).

Submission:

GeneDx
Classification: Uncertain significance. Last evaluated: 2014-09-12. Review status: criteria provided, single submitter. Criteria: GeneDx Variant Classification (06012015). Collection method: clinical testing. Allele origin: germline. Affected: yes.
Comment: Missense variants in the TTN gene are considered 'unclassified' if they are not previously reported in the literature and do not have >1% frequency in the population to be considered a polymorphism. Research indicates that truncating mutations in the TTN gene are expected to account for approximately 25% of familial and 18% of sporadic idiopathic DCM; however, truncating variants in the TTN gene have been reported in approximately 3% of reported control alleles. There has been little investigation into non-truncating variants. (Herman D et al. Truncations of titin causing dilated cardiomyopathy. N Eng J Med 366:619-628, 2012) The variant is found in CARDIOMYOPATHY panel(s).

NM_001267550.2(TTN):c.67097T>C (p.Ile22366Thr)

Genes: TTN (titin; minus strand), TTN-AS1 (TTN antisense RNA 1; plus strand). Cytogenetic location: 2q31.2.
Variant type: single nucleotide variant.
Coding change: c.67097T>C on transcript NM_001267550.2 (MANE Select); coding-DNA position 67097, T replaced by C.
Protein change: p.Ile22366Thr; replaces isoleucine 22366 with threonine.
Molecular consequence: missense variant.
Genome position (GRCh38, 1-based): chr2:178,580,190, A>G on the plus strand (T>C on the coding strand, the complement: TTN is on the minus strand). VCF-style: chr2-178580190-A-G. GRCh37 (hg19) VCF-style: chr2-179444917-A-G.
Other names: p.I20725T:ATA>ACA; c.62174T>C, p.Ile20725Thr (NM_001256850.1); c.39902T>C, p.Ile13301Thr (NM_003319.4); c.59393T>C, p.Ile19798Thr (NM_133378.4); c.40277T>C, p.Ile13426Thr (NM_133432.3); c.40478T>C, p.Ile13493Thr (NM_133437.4); short protein forms I20725T, I22366T, I13426T, I13493T, I13301T, I19798T.
Identifiers: ClinVar variation 202805 (VCV000202805.2), dbSNP rs794729482, ClinGen allele CA310343.